The following is an entry in ClinVar:

NM_002941.4(ROBO1):c.2740T>G (p.Phe914Val)

Gene: ROBO1 (roundabout guidance receptor 1; minus strand). Cytogenetic location: 3p12.3.
Variant type: single nucleotide variant.
Coding change: c.2740T>G on transcript NM_002941.4 (MANE Select); coding-DNA position 2740, T replaced by G.
Protein change: p.Phe914Val; replaces phenylalanine 914 with valine.
Molecular consequence: missense variant.
Genome position (GRCh38, 1-based): chr3:78,651,804, A>C on the plus strand (T>G on the coding strand, the complement: ROBO1 is on the minus strand). VCF-style: chr3-78651804-A-C. GRCh37 (hg19) VCF-style: chr3-78700954-A-C.
Other names: c.2740T>G (NM_002941.3); c.2632T>G, p.Phe878Val (NM_001145845.2, NM_133631.4); short protein forms F878V, F914V.
Identifiers: ClinVar variation 3768404 (VCV003768404.2).
Genomic context (GRCh38, chr3:78,651,804, plus strand): 5'-CCGCGTAGGTACTAGTAAGTCCGTTTCTCTTCTTGCGGTGTCGATAAAGCCAGATGCTGA[A>C]GACCATGAGGATGATCCAACAGGCTGCTCCAATACCTGCTATGAAGGCCGGCTGCTTCAC-3'
Protein context (NP_002932.1, residues 904-924): GAACWIILMV[Phe914Val]SIWLYRHRKK

ClinVar aggregate classification (germline): Uncertain significance. Review status: criteria provided, multiple submitters, no conflicts (2 of 4 stars). 2 submissions from 2 submitters: Uncertain significance (2). Last evaluated 2025-09-25.

Conditions:
Inborn genetic diseases. Identifiers: MedGen C0950123, MeSH D030342.

gnomAD v4.1: 3 of 1,613,682 alleles (0.00019%); highest among the groups gnomAD compares: Non-Finnish European, 0.00025%; no homozygotes.

Submissions (2):

Ambry Genetics
Classification: Uncertain significance for Inborn genetic diseases. Last evaluated: 2025-09-25. Review status: criteria provided, single submitter. Criteria: Ambry Variant Classification Scheme 2023. Collection method: clinical testing. Allele origin: germline.

Women's Health and Genetics/Laboratory Corporation of America, LabCorp
Classification: Uncertain significance. Last evaluated: 2024-12-26. Review status: criteria provided, single submitter. Criteria: LabCorp Variant Classification Summary - May 2015. Collection method: clinical testing. Allele origin: germline.
Comment: Variant summary: ROBO1 c.2740T>G (p.Phe914Val) results in a non-conservative amino acid change in the encoded protein sequence. Three of five in-silico tools predict a damaging effect of the variant on protein function. The variant allele was found at a frequency of 1.9e-06 in 1606708 control chromosomes in the gnomAD database (v4.1 dataset). The available data on variant occurrences in the general population are insufficient to allow any conclusion about variant significance. To our knowledge, no occurrence of c.2740T>G in individuals affected with ROBO1-Related Disorders and no experimental evidence demonstrating its impact on protein function have been reported. No submitters have cited clinical-significance assessments for this variant to ClinVar. Based on the evidence outlined above, the variant was classified as uncertain significance.